The following is an entry in ClinVar:

ClinVar aggregate classification (germline): Uncertain significance (1 of 4 stars; one submission).

Conditions:
Cardiomyopathy (CMYO). Also called: Cardiomyopathies. Identifiers: Orphanet 167848, MedGen C0878544, MONDO:0004994, HP:0001638. Inheritance: Various modes of inheritance.

Submission:

Color Diagnostics, LLC DBA Color Health
Classification: Uncertain significance for Cardiomyopathy. Last evaluated: 2023-07-17. Review status: criteria provided, single submitter. Criteria: ACMG Guidelines, 2015. Collection method: clinical testing. Allele origin: germline.
Comment: This missense variant replaces histidine with glutamine at codon 4466 of the RYR2 protein. Computational prediction suggests that this variant may not impact protein structure and function (internally defined REVEL score threshold <= 0.5, PMID: 27666373). To our knowledge, functional studies have not been reported for this variant. This variant has not been reported in individuals affected with RYR2-related disorders in the literature. This variant has not been identified in the general population by the Genome Aggregation Database (gnomAD). The available evidence is insufficient to determine the role of this variant in disease conclusively. Therefore, this variant is classified as a Variant of Uncertain Significance.

NM_001035.3(RYR2):c.13398C>G (p.His4466Gln)

Gene: RYR2 (ryanodine receptor 2; plus strand). Cytogenetic location: 1q43.
Variant type: single nucleotide variant.
Coding change: c.13398C>G on transcript NM_001035.3 (MANE Select); coding-DNA position 13398, C replaced by G.
Protein change: p.His4466Gln; replaces histidine 4466 with glutamine.
Molecular consequence: missense variant.
Genome position (GRCh38, 1-based): chr1:237,788,057, C>G. VCF-style: chr1-237788057-C-G. GRCh37 (hg19) VCF-style: chr1-237951357-C-G.
Other names: short protein forms H4466Q.
Identifiers: ClinVar variation 2774408 (VCV002774408.2), dbSNP rs373913909, ClinGen allele CA345416511.